The following is an entry in ClinVar:

ClinVar aggregate classification (germline): Conflicting classifications of pathogenicity. Review status: criteria provided, conflicting classifications (1 of 4 stars). 4 submissions from 4 submitters: Uncertain significance (3); Likely benign (1). Last evaluated 2024-10-03.

Conditions:
Hereditary cancer-predisposing syndrome. Also called: Hereditary Cancer Syndrome; Hereditary neoplastic syndrome; Neoplastic Syndromes, Hereditary; Tumor predisposition. Identifiers: Orphanet 140162, MedGen C0027672, MeSH D009386, MONDO:0015356.
Hereditary breast ovarian cancer syndrome. Also called: Hereditary breast and ovarian cancer; BRCA1- and BRCA2-Associated Hereditary Breast and Ovarian Cancer; Hereditary breast and ovarian cancer syndrome (HBOC); Hereditary breast and ovarian cancer syndrome; Breast and ovarian cancer; Hereditary breast and/or ovarian cancer syndrome. Identifiers: Orphanet 145, MedGen C0677776, MeSH D061325, MONDO:0003582. Disease mechanism: loss of function.

Submissions (4):

Women's Health and Genetics/Laboratory Corporation of America, LabCorp
Classification: Uncertain significance. Last evaluated: 2024-10-03. Review status: criteria provided, single submitter. Criteria: LabCorp Variant Classification Summary - May 2015. Collection method: clinical testing. Allele origin: germline.

University of Washington Department of Laboratory Medicine, University of Washington
Classification: Likely benign for Hereditary cancer-predisposing syndrome. Last evaluated: 2023-03-23. Review status: criteria provided, single submitter. Criteria: Dines et al. (Genet Med. 2020). Collection method: curation. Allele origin: germline.
Comment: Missense variant in a coldspot region where missense variants are very unlikely to be pathogenic (PMID:31911673).

BRCA2 exon 11 coldspot. Reclassification based on statistical prior probability.

Labcorp Genetics (formerly Invitae), Labcorp
Classification: Uncertain significance for Hereditary breast ovarian cancer syndrome. Last evaluated: 2022-03-29. Review status: criteria provided, single submitter. Criteria: Invitae Variant Classification Sherloc (09022015). Collection method: clinical testing. Allele origin: germline.
Comment: This sequence change replaces aspartic acid, which is acidic and polar, with glutamic acid, which is acidic and polar, at codon 2005 of the BRCA2 protein (p.Asp2005Glu). This variant is not present in population databases (gnomAD no frequency). This variant has not been reported in the literature in individuals affected with BRCA2-related conditions. Advanced modeling of protein sequence and biophysical properties (such as structural, functional, and spatial information, amino acid conservation, physicochemical variation, residue mobility, and thermodynamic stability) performed at Invitae indicates that this missense variant is not expected to disrupt BRCA2 protein function. In summary, the available evidence is currently insufficient to determine the role of this variant in disease. Therefore, it has been classified as a Variant of Uncertain Significance.

Ambry Genetics
Classification: Uncertain significance for Hereditary cancer-predisposing syndrome. Last evaluated: 2020-03-31. Review status: criteria provided, single submitter. Criteria: Ambry Variant Classification Scheme 2023. Collection method: clinical testing. Allele origin: germline.
Comment: The p.D2005E variant (also known as c.6015T>A), located in coding exon 10 of the BRCA2 gene, results from a T to A substitution at nucleotide position 6015. The aspartic acid at codon 2005 is replaced by glutamic acid, an amino acid with highly similar properties. This amino acid position is not well conserved in available vertebrate species. In addition, this alteration is predicted to be tolerated by in silico analysis. Since supporting evidence is limited at this time, the clinical significance of this alteration remains unclear.

NM_000059.4(BRCA2):c.6015T>A (p.Asp2005Glu)

Gene: BRCA2 (BRCA2 DNA repair associated; plus strand). Cytogenetic location: 13q13.1.
Variant type: single nucleotide variant.
Coding change: c.6015T>A on transcript NM_000059.4 (MANE Select); coding-DNA position 6015, T replaced by A.
Protein change: p.Asp2005Glu; replaces aspartic acid 2005 with glutamic acid.
Molecular consequence: missense variant.
Genome position (GRCh38, 1-based): chr13:32,340,370, T>A. VCF-style: chr13-32340370-T-A. GRCh37 (hg19) VCF-style: chr13-32914507-T-A.
Other names: c.6015T>A, p.Asp2005Glu (NM_001406719.1, NM_001406720.1); short protein forms D2005E.
Identifiers: ClinVar variation 1751093 (VCV001751093.10), dbSNP rs2137523282, ClinGen allele CA387787722.